The following is an entry in ClinVar:

NM_002582.4(PARN):c.458C>T (p.Ala153Val)

Gene: PARN (poly(A)-specific ribonuclease; minus strand). Cytogenetic location: 16p13.12.
Variant type: single nucleotide variant.
Coding change: c.458C>T on transcript NM_002582.4 (MANE Select); coding-DNA position 458, C replaced by T.
Protein change: p.Ala153Val; replaces alanine 153 with valine.
Molecular consequence: missense variant.
Genome position (GRCh38, 1-based): chr16:14,610,740, G>A on the plus strand (C>T on the coding strand, the complement: PARN is on the minus strand). VCF-style: chr16-14610740-G-A. GRCh37 (hg19) VCF-style: chr16-14704597-G-A.
Other names: c.275C>T, p.Ala92Val (NM_001134477.3); c.320C>T, p.Ala107Val (NM_001242992.2); c.458C>T (NM_002582.3); short protein forms A107V, A153V, A92V.
Identifiers: ClinVar variation 1366700 (VCV001366700.9), dbSNP rs371072064, ClinGen allele CA7912412.
Genomic context (GRCh38, chr16:14,610,740, plus strand): 5'-ATCGTGACAGGACATTTTGAAGTGTTAGGAGATACATAGGACAGAGCTCCTGCACCATTC[G>A]CCTGTGAACGTTTTTCATCATACTGCTCTCTTAACTGTCTTTCTTCTTCCTGATTTAAAT-3'
Protein context (NP_002573.1, residues 143-163): REQYDEKRSQ[Ala153Val]NGAGALSYVS

ClinVar aggregate classification (germline): Uncertain significance. Review status: criteria provided, multiple submitters, no conflicts (2 of 4 stars). 2 submissions from 2 submitters: Uncertain significance (2). Last evaluated 2025-11-17.

Conditions:
Dyskeratosis congenita, autosomal recessive 6 (DKCB6). Identifiers: MedGen C4225356, MONDO:0014600, OMIM 616353.
Pulmonary fibrosis and/or bone marrow failure, Telomere-related, 4. Also called: PULMONARY FIBROSIS AND/OR BONE MARROW FAILURE SYNDROME, TELOMERE-RELATED, 4. Identifiers: Orphanet 2032, MedGen C4225347, MONDO:0014612, OMIM 616371.
Inborn genetic diseases. Identifiers: MedGen C0950123, MeSH D030342.

Allele frequency attached by ClinVar (database versions not stated): ExAC 0.00002; ESP Exome Variant Server 0.00008; gnomAD exomes 0.00001; gnomAD 0.00002; TOPMed 0.00002.
gnomAD v4.1: 14 of 1,607,160 alleles (0.00087%); highest among the groups gnomAD compares: Middle Eastern, 0.033%; no homozygotes.

Submissions (2):

Labcorp Genetics (formerly Invitae), Labcorp
Classification: Uncertain significance for Dyskeratosis congenita, autosomal recessive 6; Pulmonary fibrosis and/or bone marrow failure, Telomere-related, 4. Last evaluated: 2025-11-17. Review status: criteria provided, single submitter. Criteria: Invitae Variant Classification Sherloc (09022015). Collection method: clinical testing. Allele origin: germline.
Comment: This sequence change replaces alanine, which is neutral and non-polar, with valine, which is neutral and non-polar, at codon 153 of the PARN protein (p.Ala153Val). This variant is present in population databases (rs371072064, gnomAD 0.007%). This variant has not been reported in the literature in individuals affected with PARN-related conditions. ClinVar contains an entry for this variant (Variation ID: 1366700). Invitae Evidence Modeling of protein sequence and biophysical properties (such as structural, functional, and spatial information, amino acid conservation, physicochemical variation, residue mobility, and thermodynamic stability) indicates that this missense variant is not expected to disrupt PARN protein function with a negative predictive value of 80%. In summary, the available evidence is currently insufficient to determine the role of this variant in disease. Therefore, it has been classified as a Variant of Uncertain Significance.

Ambry Genetics
Classification: Uncertain significance for Inborn genetic diseases. Last evaluated: 2025-01-01. Review status: criteria provided, single submitter. Criteria: Ambry Variant Classification Scheme 2023. Collection method: clinical testing. Allele origin: germline.